The following is an entry in ClinVar:

NM_001374385.1(ATP8B1):c.3241G>T (p.Val1081Leu)

Genes: ATP8B1 (ATPase phospholipid transporting 8B1; minus strand), ATP8B1-AS1 (ATP8B1 antisense RNA 1; plus strand). Cytogenetic location: 18q21.31.
Variant type: single nucleotide variant.
Coding change: c.3241G>T on transcript NM_001374385.1 (MANE Select); coding-DNA position 3241, G replaced by T.
Protein change: p.Val1081Leu; replaces valine 1081 with leucine.
Molecular consequence: missense variant.
Genome position (GRCh38, 1-based): chr18:57,652,504, C>A on the plus strand (G>T on the coding strand, the complement: ATP8B1 is on the minus strand). VCF-style: chr18-57652504-C-A. GRCh37 (hg19) VCF-style: chr18-55319736-C-A.
Other names: c.3091G>T, p.Val1031Leu (NM_001374386.1); c.3241G>T, p.Val1081Leu (NM_005603.6); short protein forms V1031L, V1081L.
Identifiers: ClinVar variation 5000130 (VCV005000130.1).

ClinVar aggregate classification (germline): Uncertain significance (1 of 4 stars; one submission).

Conditions:
ATP8B1-related disorder. Also called: ATP8B1-related disorders; ATP8B1-related condition.

Submission:

PreventionGenetics, part of Exact Sciences
Classification: Uncertain significance for ATP8B1-related condition. Last evaluated: 2024-12-27. Review status: criteria provided, single submitter. Criteria: ACMG Guidelines, 2015. Collection method: clinical testing. Allele origin: germline.
Comment: The ATP8B1 c.3241G>T variant is predicted to result in the amino acid substitution p.Val1081Leu. To our knowledge, this variant has not been reported in the literature or in a large population database (gnomAD), indicating this variant is rare. At this time, the clinical significance of this variant is uncertain due to the absence of conclusive functional and genetic evidence.